The following is an entry in ClinVar:

NM_006739.4(MCM5):c.1472T>C (p.Val491Ala)

Gene: MCM5 (minichromosome maintenance complex component 5; plus strand). Cytogenetic location: 22q12.3.
Variant type: single nucleotide variant.
Coding change: c.1472T>C on transcript NM_006739.4 (MANE Select); coding-DNA position 1472, T replaced by C.
Protein change: p.Val491Ala; replaces valine 491 with alanine.
Molecular consequence: missense variant.
Genome position (GRCh38, 1-based): chr22:35,416,696, T>C. VCF-style: chr22-35416696-T-C. GRCh37 (hg19) VCF-style: chr22-35812689-T-C.
Other names: c.1472T>C (NM_006739.3); short protein forms V491A.
Identifiers: ClinVar variation 2990944 (VCV002990944.4), dbSNP rs761684969, ClinGen allele CA10205393.
Genomic context (GRCh38, chr22:35,416,696, plus strand): 5'-AGGCTGGGATCACCACCACCCTGAACTCCCGCTGCTCCGTCCTGGCTGCTGCCAACTCAG[T>C]GTTCGGCCGCTGGGATGAGACGAAGGGGGAGGACAACATTGACTTCATGCCCACCATCTT-3'
Protein context (NP_006730.2, residues 481-501): RCSVLAAANS[Val491Ala]FGRWDETKGE

ClinVar aggregate classification (germline): Uncertain significance. Review status: criteria provided, multiple submitters, no conflicts (2 of 4 stars). 2 submissions from 2 submitters: Uncertain significance (2). Last evaluated 2025-07-02.

Allele frequency attached by ClinVar (database versions not stated): TOPMed 0.00001; gnomAD exomes 0.00001; gnomAD 0.00001; ExAC 0.00002.
gnomAD v4.1: 15 of 1,613,998 alleles (0.00093%); highest among the groups gnomAD compares: South Asian, 0.0099%; no homozygotes.

Submissions (2):

Labcorp Genetics (formerly Invitae), Labcorp
Classification: Uncertain significance. Last evaluated: 2025-07-02. Review status: criteria provided, single submitter. Criteria: Invitae Variant Classification Sherloc (09022015). Collection method: clinical testing. Allele origin: germline.
Comment: This sequence change replaces valine, which is neutral and non-polar, with alanine, which is neutral and non-polar, at codon 491 of the MCM5 protein (p.Val491Ala). This variant is present in population databases (rs761684969, gnomAD 0.02%). This variant has not been reported in the literature in individuals affected with MCM5-related conditions. ClinVar contains an entry for this variant (Variation ID: 2990944). Invitae Evidence Modeling of protein sequence and biophysical properties (such as structural, functional, and spatial information, amino acid conservation, physicochemical variation, residue mobility, and thermodynamic stability) indicates that this missense variant is not expected to disrupt MCM5 protein function with a negative predictive value of 80%. In summary, the available evidence is currently insufficient to determine the role of this variant in disease. Therefore, it has been classified as a Variant of Uncertain Significance.

Ambry Genetics
Classification: Uncertain significance. Last evaluated: 2025-06-10. Review status: criteria provided, single submitter. Criteria: Ambry Variant Classification Scheme 2023. Collection method: clinical testing. Allele origin: germline.